The following is an entry in ClinVar:

NM_001142800.2(EYS):c.2308C>T (p.Gln770Ter)

Gene: EYS (EGF-like photoreceptor maintenance factor; minus strand). Cytogenetic location: 6q12.
Variant type: single nucleotide variant.
Coding change: c.2308C>T on transcript NM_001142800.2 (MANE Select); coding-DNA position 2308, C replaced by T.
Protein change: p.Gln770Ter; replaces glutamine 770 with a stop codon.
Molecular consequence: nonsense.
Genome position (GRCh38, 1-based): chr6:64,945,866, G>A on the plus strand (C>T on the coding strand, the complement: EYS is on the minus strand). VCF-style: chr6-64945866-G-A. GRCh37 (hg19) VCF-style: chr6-65655759-G-A.
Other names: c.2308C>T (NM_001142800.1); c.2308C>T, p.Gln770Ter (NM_001292009.2); short protein forms Q770*.
Identifiers: ClinVar variation 1284363 (VCV001284363.8), dbSNP rs992863438, ClinGen allele CA364788180.

ClinVar aggregate classification (germline): Pathogenic. Review status: criteria provided, multiple submitters, no conflicts (2 of 4 stars). 6 submissions from 6 submitters: Pathogenic (4). 2 of the submissions do not count toward it. Last evaluated 2025-11-03.

Conditions:
Retinitis pigmentosa (RP). Identifiers: Orphanet 791, MedGen C0035334, MeSH D012174, MONDO:0019200, OMIM 268000. Inheritance: Autosomal dominant, autosomal recessive and X linked inheritance.
Retinitis pigmentosa 25 (RP25). Identifiers: Orphanet 791, MedGen C1864446, MONDO:0011272, OMIM 602772.

Submissions (6):

Natera, Inc.
Classification: Pathogenic for Retinitis pigmentosa type 25. Last evaluated: 2025-11-03. Review status: criteria provided, single submitter. Criteria: Natera Variant Classification Schema (03/2026). Collection method: clinical testing. Allele origin: germline.
Comment: The c.2308C>T variant in EYS is a nonsense variant predicted to introduce a stop codon at amino acid 770. This variant is expected to result in nonsense mediated decay, truncation, or a dysfunctional protein product. This variant is rare in the general population with a frequency below the threshold expected for the associated phenotype(s). This variant has been observed in one or more individuals affected with the associated recessive disease, as either homozygous or compound heterozygous with a second variant (PMID: 31074760, 33921607). Given the available evidence, this variant is classified as Pathogenic.

Fulgent Genetics
Classification: Pathogenic for Retinitis pigmentosa 25. Last evaluated: 2024-02-13. Review status: criteria provided, single submitter. Criteria: ACMG Guidelines, 2015. Collection method: clinical testing. Allele origin: germline.

Women's Health and Genetics/Laboratory Corporation of America, LabCorp
Classification: Pathogenic for Retinitis pigmentosa. Last evaluated: 2023-09-11. Review status: criteria provided, single submitter. Criteria: LabCorp Variant Classification Summary - May 2015. Collection method: clinical testing. Allele origin: germline.
Comment: Variant summary: EYS c.2308C>T (p.Gln770X) results in a premature termination codon, predicted to cause a truncation of the encoded protein or absence of the protein due to nonsense mediated decay, which are commonly known mechanisms for disease. Variants downstream of this position have been classified as pathogenic by our laboratory. The variant was absent in 153604 control chromosomes (gnomAD). c.2308C>T has been reported in the literature in at-least one individual affected with Retinitis Pigmentosa (example: Pierrache_2019). The following publication has been ascertained in the context of this evaluation (PMID: 31074760). Two submitters have cited clinical-significance assessments for this variant to ClinVar after 2014. All submitters classified the variant as pathogenic. Based on the evidence outlined above, the variant was classified as pathogenic.

Baylor Genetics
Classification: Pathogenic for Retinitis pigmentosa 25. Last evaluated: 2023-04-12. Review status: criteria provided, single submitter. Criteria: ACMG Guidelines, 2015. Collection method: clinical testing. Allele origin: unknown.

Clinical Genetics, Academic Medical Center
Classification: Pathogenic. Review status: no assertion criteria provided. Collection method: clinical testing. Allele origin: germline. Affected: yes. Study: VKGL Data-share Consensus. Not counted in ClinVar's aggregate classification.

Joint Genome Diagnostic Labs from Nijmegen and Maastricht, Radboudumc and MUMC+
Classification: Pathogenic. Review status: no assertion criteria provided. Collection method: clinical testing. Allele origin: germline. Affected: yes. Study: VKGL Data-share Consensus. Not counted in ClinVar's aggregate classification.

Literature cited by the submitters: PubMed 31074760 (cited by Natera, Inc. and Women's Health and Genetics/Laboratory Corporation of America, LabCorp); PubMed 33921607 (cited by Natera, Inc.).